The following is an entry in ClinVar:

NM_001042545.2(LTBP4):c.2952C>T (p.Asp984=)

Gene: LTBP4 (latent transforming growth factor beta binding protein 4; plus strand). Cytogenetic location: 19q13.2.
Variant type: single nucleotide variant.
Coding change: c.2952C>T on transcript NM_001042545.2 (MANE Select); coding-DNA position 2952, C replaced by T.
Protein change: p.Asp984=; no amino-acid change (aspartic acid 984 retained).
Molecular consequence: synonymous variant.
Genome position (GRCh38, 1-based): chr19:40,617,107, C>T. VCF-style: chr19-40617107-C-T. GRCh37 (hg19) VCF-style: chr19-41123013-C-T.
Other names: c.3153C>T, p.Asp1051= (NM_001042544.1); c.3042C>T, p.Asp1014= (NM_003573.2).
Identifiers: ClinVar variation 681452 (VCV000681452.5), dbSNP rs371510672, ClinGen allele CA9448855.

ClinVar aggregate classification (germline): Likely benign. Review status: criteria provided, multiple submitters, no conflicts (2 of 4 stars). 2 submissions from 2 submitters: Likely benign (2). Last evaluated 2023-08-04.

Allele frequency attached by ClinVar (database versions not stated): gnomAD exomes 0.00001 and 0.00004; TOPMed 0.00002; ExAC 0.00002; gnomAD 0.00003; ESP Exome Variant Server 0.00008.
gnomAD v4.1: 26 of 1,613,870 alleles (0.0016%); highest among the groups gnomAD compares: Admixed American, 0.013%; no homozygotes.

Submissions (2):

Labcorp Genetics (formerly Invitae), Labcorp
Classification: Likely benign. Last evaluated: 2023-08-04. Review status: criteria provided, single submitter. Criteria: Invitae Variant Classification Sherloc (09022015). Collection method: clinical testing. Allele origin: germline.

GeneDx
Classification: Likely benign. Last evaluated: 2018-04-09. Review status: criteria provided, single submitter. Criteria: GeneDx Variant Classification (06012015). Collection method: clinical testing. Allele origin: germline. Affected: yes.
Comment: This variant is considered likely benign or benign based on one or more of the following criteria: it is a conservative change, it occurs at a poorly conserved position in the protein, it is predicted to be benign by multiple in silico algorithms, and/or has population frequency not consistent with disease.